The following is an entry in ClinVar:

ClinVar aggregate classification (germline): Uncertain significance (1 of 4 stars; one submission).

Conditions:
Familial thoracic aortic aneurysm and aortic dissection (TAAD). Also called: Thoracic aortic aneurysms and dissections. Identifiers: Orphanet 91387, MedGen C4707243, MONDO:0019625.

Submission:

Ambry Genetics
Classification: Uncertain significance for Familial thoracic aortic aneurysm and aortic dissection. Last evaluated: 2026-06-06. Review status: criteria provided, single submitter. Criteria: Ambry Variant Classification Scheme 2023. Collection method: clinical testing. Allele origin: germline.
Comment: The p.S176N variant (also known as c.527G>A), located in coding exon 5 of the PLOD1 gene, results from a G to A substitution at nucleotide position 527. The serine at codon 176 is replaced by asparagine, an amino acid with highly similar properties. This amino acid position is conserved. In addition, this alteration is predicted to be tolerated by in silico analysis. Based on the available evidence, the clinical significance of this variant remains unclear.

NM_000302.4(PLOD1):c.527G>A (p.Ser176Asn)

Gene: PLOD1 (procollagen-lysine,2-oxoglutarate 5-dioxygenase 1; plus strand). Cytogenetic location: 1p36.22.
Variant type: single nucleotide variant.
Coding change: c.527G>A on transcript NM_000302.4 (MANE Select); coding-DNA position 527, G replaced by A.
Protein change: p.Ser176Asn; replaces serine 176 with asparagine.
Molecular consequence: missense variant.
Genome position (GRCh38, 1-based): chr1:11,952,683, G>A. VCF-style: chr1-11952683-G-A. GRCh37 (hg19) VCF-style: chr1-12012740-G-A.
Other names: c.668G>A, p.Ser223Asn (NM_001316320.2); short protein forms S176N, S223N.
Identifiers: ClinVar variation 4862071 (VCV004862071.1).